The following is an entry in ClinVar:

ClinVar aggregate classification (germline): Benign (1 of 4 stars; one submission).

Allele frequency attached by ClinVar (database versions not stated): TOPMed 0.00037; ESP Exome Variant Server 0.00042; 1000 Genomes Project 0.00060; 1000 Genomes Project 30x 0.00062; gnomAD exomes 0.00075; gnomAD 0.00104; ExAC 0.00208.
gnomAD v4.1: 1,216 of 1,581,402 alleles (0.077%); highest among the groups gnomAD compares: Non-Finnish European, 0.057%; 6 homozygotes.

Submission:

CeGaT Center for Human Genetics Tuebingen
Classification: Benign. Last evaluated: 2026-03-01. Review status: criteria provided, single submitter. Criteria: CeGaT Center For Human Genetics Tuebingen Variant Classification Criteria Version 2. Collection method: clinical testing. Allele origin: germline. Affected: yes. Observed: 4 variant alleles.
Comment: ZNF292: BS1, BS2

NM_015021.3(ZNF292):c.5993C>T (p.Pro1998Leu)

Gene: ZNF292 (zinc finger protein 292; plus strand). Cytogenetic location: 6q14.3.
Variant type: single nucleotide variant.
Coding change: c.5993C>T on transcript NM_015021.3 (MANE Select); coding-DNA position 5993, C replaced by T.
Protein change: p.Pro1998Leu; replaces proline 1998 with leucine.
Molecular consequence: missense variant.
Genome position (GRCh38, 1-based): chr6:87,259,622, C>T. VCF-style: chr6-87259622-C-T. GRCh37 (hg19) VCF-style: chr6-87969340-C-T.
Other names: c.5573C>T, p.Pro1858Leu (NM_001351444.2); short protein forms P1858L, P1998L.
Identifiers: ClinVar variation 2656751 (VCV002656751.24), dbSNP rs189808859, ClinGen allele CA3914548.